The following is an entry in ClinVar:

ClinVar aggregate classification (germline): Pathogenic. Review status: criteria provided, multiple submitters, no conflicts (2 of 4 stars). 2 submissions from 2 submitters: Pathogenic (2). Last evaluated 2024-07-23.

Conditions:
Maple syrup urine disease (MSUD). Identifiers: Orphanet 511, MedGen C0024776, MeSH D008375, MONDO:0009563. Disease mechanism: loss of function.
Maple syrup urine disease type 1B (MSUD1B). Also called: MSUD type IB; MSUD type 3 (formerly); MSUD due to deficiency of e1-beta subunit of branched-chain alpha-keto acid dehydrogenase complex. Identifiers: MedGen C2930990, MONDO:0023692, OMIM 620698.

Submissions (2):

Myriad Genetics, Inc.
Classification: Pathogenic for Maple syrup urine disease type 1B. Last evaluated: 2024-07-23. Review status: criteria provided, single submitter. Criteria: Myriad Autosomal Dominant, Autosomal Recessive and X-Linked Classification Criteria (2023). Collection method: clinical testing. Allele origin: unknown.
Comment: NM_183050.2(BCKDHB):c.322dupG(V108Gfs*11) is expected to be pathogenic in the context of maple syrup urine disease type Ib. This variant is predicted to lead to an abnormal or absent protein product due to the creation of a premature termination codon in BCKDHB, a gene where loss-of-function variants are known to be pathogenic. Please note: this variant was assessed in the context of healthy population screening.

Labcorp Genetics (formerly Invitae), Labcorp
Classification: Pathogenic for Maple syrup urine disease. Last evaluated: 2020-06-04. Review status: criteria provided, single submitter. Criteria: Invitae Variant Classification Sherloc (09022015). Collection method: clinical testing. Allele origin: germline.
Comment: Algorithms developed to predict the effect of sequence changes on RNA splicing suggest that this variant may create or strengthen a splice site, but this prediction has not been confirmed by published transcriptional studies. This sequence change creates a premature translational stop signal (p.Val108Glyfs*11) in the BCKDHB gene. It is expected to result in an absent or disrupted protein product. This variant is not present in population databases (ExAC no frequency). This variant has not been reported in the literature in individuals with BCKDHB-related conditions. Loss-of-function variants in BCKDHB are known to be pathogenic (PMID: 16786533, 22593002). For these reasons, this variant has been classified as Pathogenic.

Literature cited by the submitters: PubMed 16786533 (cited by Labcorp Genetics (formerly Invitae), Labcorp); PubMed 22593002 (cited by Labcorp Genetics (formerly Invitae), Labcorp).

NM_183050.4(BCKDHB):c.322dup (p.Val108fs)

Gene: BCKDHB (branched chain keto acid dehydrogenase E1 subunit beta; plus strand). Cytogenetic location: 6q14.1.
Variant type: Duplication.
Coding change: c.322dup on transcript NM_183050.4 (MANE Select); coding-DNA position 322, one base duplicated (G; older notation c.322dupG).
Protein change: p.Val108fs; shifts the reading frame from valine 108.
Molecular consequence: frameshift variant. On other transcripts: non-coding transcript variant (1).
Genome position (GRCh38, 1-based): chr6:80,129,208, G duplicated. VCF-style (leftmost placement, unchanged base first): chr6-80129207-T-TG. GRCh37 (hg19) VCF-style: chr6-80838924-T-TG.
Other names: c.322dup, p.Val108fs (NM_000056.5); c.112dup, p.Val38fs (NM_001318975.1); short protein forms V108fs, V38fs.
Identifiers: ClinVar variation 1076705 (VCV001076705.8), dbSNP rs2127727907, ClinGen allele CA2499218583.